The following is an entry in ClinVar:

ClinVar aggregate classification (germline): Uncertain significance (1 of 4 stars; one submission).

Conditions:
Aicardi-Goutieres syndrome 5. Identifiers: Orphanet 51, MedGen C2749659, MONDO:0013059, OMIM 612952.

Submission:

3billion
Classification: Uncertain significance for Aicardi-Goutieres syndrome 5. Last evaluated: 2024-01-11. Review status: criteria provided, single submitter. Criteria: ACMG Guidelines, 2015. Collection method: clinical testing. Allele origin: germline. Affected: yes.
Comment: The variant is not observed in the gnomAD v2.1.1 dataset. Predicted Consequence/Location: The majority of the known disease-causing variants of this gene are variants expected to result in premature termination of the protein. In silico tool predictions suggest damaging effect of the variant on gene or gene product [REVEL: 0.89 (>=0.6, sensitivity 0.68 and specificity 0.92)]. Therefore, this variant is classified as VUS according to the recommendation of ACMG/AMP guideline.

NM_015474.4(SAMHD1):c.1652G>C (p.Arg551Pro)

Gene: SAMHD1 (SAM and HD domain containing deoxynucleoside triphosphate triphosphohydrolase 1; minus strand). Cytogenetic location: 20q11.23.
Variant type: single nucleotide variant.
Coding change: c.1652G>C on transcript NM_015474.4 (MANE Select); coding-DNA position 1652, G replaced by C.
Protein change: p.Arg551Pro; replaces arginine 551 with proline.
Molecular consequence: missense variant.
Genome position (GRCh38, 1-based): chr20:36,897,916, C>G on the plus strand (G>C on the coding strand, the complement: SAMHD1 is on the minus strand). VCF-style: chr20-36897916-C-G. GRCh37 (hg19) VCF-style: chr20-35526319-C-G.
Other names: c.1547G>C, p.Arg516Pro (NM_001363729.2); c.1652G>C, p.Arg551Pro (NM_001363733.2); short protein forms R516P, R551P.
Identifiers: ClinVar variation 3775957 (VCV003775957.1).
Genomic context (GRCh38, chr20:36,897,916, plus strand): 5'-TGAACAAAATATTGTCTTGCGGCATACAAACTCTTTCTGTCCACCTTCTTACAATATACT[C>G]GAATCAGCTGCTCTGCAAATTTCTCTGGCAGAAGTTGTGAAACCTTTTTAAAATGAAGAG-3'
Protein context (NP_056289.2, residues 541-561): LPEKFAEQLI[Arg551Pro]VYCKKVDRKS